The following is an entry in ClinVar:

NM_000384.3(APOB):c.6536T>C (p.Ile2179Thr)

Gene: APOB (apolipoprotein B; minus strand). Cytogenetic location: 2p24.1.
Variant type: single nucleotide variant.
Coding change: c.6536T>C on transcript NM_000384.3 (MANE Select); coding-DNA position 6536, T replaced by C.
Protein change: p.Ile2179Thr; replaces isoleucine 2179 with threonine.
Molecular consequence: missense variant.
Genome position (GRCh38, 1-based): chr2:21,010,332, A>G on the plus strand (T>C on the coding strand, the complement: APOB is on the minus strand). VCF-style: chr2-21010332-A-G. GRCh37 (hg19) VCF-style: chr2-21233204-A-G.
Other names: short protein forms I2179T.
Identifiers: ClinVar variation 4862487 (VCV004862487.1).

ClinVar aggregate classification (germline): Uncertain significance (1 of 4 stars; one submission).

Conditions:
Cardiovascular phenotype. Identifiers: MedGen CN230736.

Submission:

Ambry Genetics
Classification: Uncertain significance for Cardiovascular phenotype. Last evaluated: 2026-03-29. Review status: criteria provided, single submitter. Criteria: Ambry Variant Classification Scheme 2023. Collection method: clinical testing. Allele origin: germline.
Comment: The p.I2179T variant (also known as c.6536T>C), located in coding exon 26 of the APOB gene, results from a T to C substitution at nucleotide position 6536. The isoleucine at codon 2179 is replaced by threonine, an amino acid with similar properties. This amino acid position is conserved. In addition, this alteration is predicted to be tolerated by in silico analysis. Based on the available evidence, the clinical significance of this variant remains unclear.